The following is an entry in ClinVar:

ClinVar aggregate classification (germline): Uncertain significance (1 of 4 stars; one submission).

Conditions:
Hereditary cancer-predisposing syndrome. Also called: Tumor predisposition; Hereditary neoplastic syndrome; Hereditary Cancer Syndrome; Neoplastic Syndromes, Hereditary. Identifiers: Orphanet 140162, MedGen C0027672, MeSH D009386, MONDO:0015356.

Submission:

Ambry Genetics
Classification: Uncertain significance for Hereditary cancer-predisposing syndrome. Last evaluated: 2025-04-07. Review status: criteria provided, single submitter. Criteria: Ambry Variant Classification Scheme 2023. Collection method: clinical testing. Allele origin: germline.
Comment: The p.G289R variant (also known as c.865G>C), located in coding exon 3 of the PHOX2B gene, results from a G to C substitution at nucleotide position 865. The glycine at codon 289 is replaced by arginine, an amino acid with dissimilar properties. This amino acid position is conserved. In addition, this alteration is predicted to be deleterious by in silico analysis. Based on the available evidence, the clinical significance of this variant remains unclear.

NM_003924.4(PHOX2B):c.865G>C (p.Gly289Arg)

Gene: PHOX2B (paired like homeobox 2B; minus strand). Cytogenetic location: 4p13.
Variant type: single nucleotide variant.
Coding change: c.865G>C on transcript NM_003924.4 (MANE Select); coding-DNA position 865, G replaced by C.
Protein change: p.Gly289Arg; replaces glycine 289 with arginine.
Molecular consequence: missense variant.
Genome position (GRCh38, 1-based): chr4:41,745,887, C>G on the plus strand (G>C on the coding strand, the complement: PHOX2B is on the minus strand). VCF-style: chr4-41745887-C-G. GRCh37 (hg19) VCF-style: chr4-41747904-C-G.
Other names: short protein forms G289R.
Identifiers: ClinVar variation 3931843 (VCV003931843.1).